The following is an entry in ClinVar:

ClinVar aggregate classification (germline): Likely benign. Review status: criteria provided, multiple submitters, no conflicts (2 of 4 stars). 2 submissions from 2 submitters: Likely benign (2). Last evaluated 2018-01-12.

Conditions:
Retinitis pigmentosa (RP). Identifiers: Orphanet 791, MedGen C0035334, MeSH D012174, MONDO:0019200, OMIM 268000. Inheritance: Autosomal dominant, autosomal recessive and X linked inheritance.

Allele frequency attached by ClinVar (database versions not stated): gnomAD exomes 0.00018; gnomAD 0.00070; TOPMed 0.00077; 1000 Genomes Project 30x 0.00125; 1000 Genomes Project 0.00160.
gnomAD v4.1: 332 of 1,288,230 alleles (0.026%); highest among the groups gnomAD compares: African/African-American, 0.28%; 1 homozygote.

Submissions (2):

Illumina Laboratory Services, Illumina
Classification: Likely benign for Retinitis pigmentosa. Last evaluated: 2018-01-12. Review status: criteria provided, single submitter. Criteria: ICSL Variant Classification Criteria 13 December 2019. Collection method: clinical testing. Allele origin: germline.
Comment: This variant was observed in the ICSL laboratory as part of a predisposition screen in an ostensibly healthy population. It had not been previously curated by ICSL or reported in the Human Gene Mutation Database (HGMD: prior to June 1st, 2018), and was therefore a candidate for classification through an automated scoring system. Utilizing variant allele frequency, disease prevalence and penetrance estimates, and inheritance mode, an automated score was calculated to assess if this variant is too frequent to cause the disease. Based on the score and internal cut-off values, a variant classified as likely benign is not then subjected to further curation. The score for this variant resulted in a classification of likely benign for this disease.

Breakthrough Genomics
Classification: Likely benign. Review status: criteria provided, single submitter. Criteria: ACMG Guidelines, 2015. Collection method: not provided. Allele origin: germline. Inheritance: Unknown mechanism. Affected: yes.

NM_002098.6(GUCA1B):c.-54A>C

Gene: GUCA1B (guanylate cyclase activator 1B; minus strand). Cytogenetic location: 6p21.1.
Variant type: single nucleotide variant.
Coding change: c.-54A>C on transcript NM_002098.6 (MANE Select); 54 bases upstream of the start codon, A replaced by C.
Molecular consequence: 5 prime UTR variant.
Genome position (GRCh38, 1-based): chr6:42,194,874, T>G on the plus strand (A>C on the coding strand, the complement: GUCA1B is on the minus strand). VCF-style: chr6-42194874-T-G. GRCh37 (hg19) VCF-style: chr6-42162612-T-G.
Identifiers: ClinVar variation 356739 (VCV000356739.6), dbSNP rs184508322, ClinGen allele CA10626740.
Genomic context (GRCh38, chr6:42,194,874, plus strand): 5'-GCCCCATGCTAGCCCTGAGGAGCATCAGGGAGCAAGGGTCTGTATCTCCTCCCTGGCTTC[T>G]GCTGATGGATCTCTCCAACTAGGGCCCTCTTCCTCCCTTTCCAGGAGGCCTGATCAGCCT-3'